The following is an entry in ClinVar:

NM_004304.5(ALK):c.3430C>T (p.Pro1144Ser)

Gene: ALK (ALK receptor tyrosine kinase; minus strand). Cytogenetic location: 2p23.2.
Variant type: single nucleotide variant.
Coding change: c.3430C>T on transcript NM_004304.5 (MANE Select); coding-DNA position 3430, C replaced by T.
Protein change: p.Pro1144Ser; replaces proline 1144 with serine.
Molecular consequence: missense variant.
Genome position (GRCh38, 1-based): chr2:29,222,537, G>A on the plus strand (C>T on the coding strand, the complement: ALK is on the minus strand). VCF-style: chr2-29222537-G-A. GRCh37 (hg19) VCF-style: chr2-29445403-G-A.
Other names: c.226C>T, p.Pro76Ser (NM_001353765.2); short protein forms P76S, P1144S.
Identifiers: ClinVar variation 1731377 (VCV001731377.4), dbSNP rs2148169163, ClinGen allele CA346463678.

ClinVar aggregate classification (germline): Uncertain significance. Review status: criteria provided, multiple submitters, no conflicts (2 of 4 stars). 2 submissions from 2 submitters: Uncertain significance (2). Last evaluated 2025-09-14.

Conditions:
Neuroblastoma, susceptibility to, 3. Also called: ALK-Related Neuroblastic Tumor Susceptibility. Identifiers: Orphanet 635, MedGen C2751681, MONDO:0013083, OMIM 613014.
Hereditary cancer-predisposing syndrome. Also called: Neoplastic Syndromes, Hereditary; Tumor predisposition; Hereditary Cancer Syndrome; Hereditary neoplastic syndrome. Identifiers: Orphanet 140162, MedGen C0027672, MeSH D009386, MONDO:0015356.

Submissions (2):

Labcorp Genetics (formerly Invitae), Labcorp
Classification: Uncertain significance for Neuroblastoma, susceptibility to, 3. Last evaluated: 2025-09-14. Review status: criteria provided, single submitter. Criteria: Invitae Variant Classification Sherloc (09022015). Collection method: clinical testing. Allele origin: germline.
Comment: This sequence change replaces proline, which is neutral and non-polar, with serine, which is neutral and polar, at codon 1144 of the ALK protein (p.Pro1144Ser). This variant is not present in population databases (gnomAD no frequency). This variant has not been reported in the literature in individuals affected with ALK-related conditions. ClinVar contains an entry for this variant (Variation ID: 1731377). An algorithm developed to predict the effect of missense changes on protein structure and function (PolyPhen-2) suggests that this variant is likely to be disruptive. In summary, the available evidence is currently insufficient to determine the role of this variant in disease. Therefore, it has been classified as a Variant of Uncertain Significance.

Ambry Genetics
Classification: Uncertain significance for Hereditary cancer-predisposing syndrome. Last evaluated: 2024-05-24. Review status: criteria provided, single submitter. Criteria: Ambry Variant Classification Scheme 2023. Collection method: clinical testing. Allele origin: germline.
Comment: The p.P1144S variant (also known as c.3430C>T), located in coding exon 21 of the ALK gene, results from a C to T substitution at nucleotide position 3430. The proline at codon 1144 is replaced by serine, an amino acid with similar properties. This amino acid position is highly conserved in available vertebrate species. In addition, the in silico prediction for this alteration is inconclusive. Based on the available evidence, the clinical significance of this variant remains unclear.